The following is an entry in ClinVar:

ClinVar aggregate classification (germline): Likely pathogenic (1 of 4 stars; one submission).

Conditions:
Osteopetrosis. Identifiers: Orphanet 2781, MedGen C0029454, MONDO:0017198, HP:0011002.

Submission:

Dubai Health Genomic Medicine Center, Dubai Health
Classification: Likely pathogenic for Osteopetrosis. Last evaluated: 2024-10-04. Review status: criteria provided, single submitter. Criteria: ACMG Guidelines, 2015. Collection method: research. Allele origin: germline. Affected: yes.
Comment: PVS1,PM2

NM_013322.3(SNX10):c.112-1G>C

Gene: SNX10 (sorting nexin 10; plus strand). Cytogenetic location: 7p15.2.
Variant type: single nucleotide variant.
Coding change: c.112-1G>C on transcript NM_013322.3 (MANE Select); the canonical splice acceptor site of the intron before coding-DNA position 112, G replaced by C.
Molecular consequence: splice acceptor variant. On other transcripts: intron variant (1).
Genome position (GRCh38, 1-based): chr7:26,364,534, G>C. VCF-style: chr7-26364534-G-C. GRCh37 (hg19) VCF-style: chr7-26404154-G-C.
Other names: c.190-1G>C (NM_001362754.1, NM_001362753.1, NM_001318198.1); c.112-1G>C (NM_001199835.1, NM_001318199.3); c.103-1G>C (NM_001199837.3); c.-41+32G>C (NM_001199838.2).
Identifiers: ClinVar variation 3384115 (VCV003384115.1).